The following is an entry in ClinVar:

ClinVar aggregate classification (germline): Likely benign. Review status: criteria provided, multiple submitters, no conflicts (2 of 4 stars). 2 submissions from 2 submitters: Likely benign (2). Last evaluated 2018-06-15.

Allele frequency attached by ClinVar (database versions not stated): 1000 Genomes Project 0.00419; 1000 Genomes Project 30x 0.00468; TOPMed 0.01187; gnomAD 0.01303 and 0.01361; gnomAD exomes 0.01337 and 0.01833; ESP Exome Variant Server 0.01399; ExAC 0.01414.
gnomAD v4.1: 27,372 of 1,549,486 alleles (1.8%); highest among the groups gnomAD compares: Non-Finnish European, 2.1%; 314 homozygotes.

Submissions (2):

GeneDx
Classification: Likely benign. Last evaluated: 2018-06-15. Review status: criteria provided, single submitter. Criteria: GeneDx Variant Classification (06012015). Collection method: clinical testing. Allele origin: germline. Affected: yes.
Comment: This variant is considered likely benign or benign based on one or more of the following criteria: it is a conservative change, it occurs at a poorly conserved position in the protein, it is predicted to be benign by multiple in silico algorithms, and/or has population frequency not consistent with disease.

Breakthrough Genomics
Classification: Likely benign. Review status: criteria provided, single submitter. Criteria: ACMG Guidelines, 2015. Collection method: not provided. Allele origin: germline. Inheritance: Autosomal recessive inheritance. Affected: yes.

NM_033109.5(PNPT1):c.297+37T>A

Gene: PNPT1 (polyribonucleotide nucleotidyltransferase 1; minus strand). Cytogenetic location: 2p16.1.
Variant type: single nucleotide variant.
Coding change: c.297+37T>A on transcript NM_033109.5 (MANE Select); 37 bases into the intron after coding-DNA position 297, T replaced by A.
Molecular consequence: intron variant.
Genome position (GRCh38, 1-based): chr2:55,686,333, A>T on the plus strand (T>A on the coding strand, the complement: PNPT1 is on the minus strand). VCF-style: chr2-55686333-A-T. GRCh37 (hg19) VCF-style: chr2-55913468-A-T.
Identifiers: ClinVar variation 674129 (VCV000674129.2), dbSNP rs143717902, ClinGen allele CA1668554.